The following is an entry in ClinVar:

ClinVar aggregate classification (germline): Pathogenic. Review status: criteria provided, single submitter (1 of 4 stars). 2 submissions from 2 submitters: Pathogenic (1). 1 of the submissions does not count toward it. Last evaluated 2020-03-27.

Conditions:
Amyotrophic lateral sclerosis, susceptibility to, 24. Identifiers: MedGen C4693523, MONDO:0054750, OMIM 617892.
Short-rib thoracic dysplasia 6 with or without polydactyly (SRTD6). Also called: POLYDACTYLY WITH NEONATAL CHONDRODYSTROPHY, TYPE II; Majewski Syndrome; SHORT-RIB THORACIC DYSPLASIA 6 WITH POLYDACTYLY; SHORT-RIB THORACIC DYSPLASIA 6 WITHOUT POLYDACTYLY; SHORT RIB-POLYDACTYLY SYNDROME, TYPE IIA. Identifiers: MedGen C0024507, MONDO:0009894, OMIM 263520.

Allele frequency attached by ClinVar (database versions not stated): gnomAD exomes below 0.00001; ExAC 0.00001; gnomAD 0.00002; TOPMed 0.00002.
gnomAD v4.1: 7 of 1,612,298 alleles (0.00043%); highest among the groups gnomAD compares: African/African-American, 0.004%; no homozygotes.

Submissions (2):

Labcorp Genetics (formerly Invitae), Labcorp
Classification: Pathogenic for Short-rib thoracic dysplasia 6 with or without polydactyly. Last evaluated: 2020-03-27. Review status: criteria provided, single submitter. Criteria: Invitae Variant Classification Sherloc (09022015). Collection method: clinical testing. Allele origin: germline.
Comment: For these reasons, this variant has been classified as Pathogenic. Loss-of-function variants in NEK1 are known to be pathogenic (PMID: 22499340, 29068549). This variant has been observed in individual(s) with amyotrophic lateral sclerosis (PMID: 27455347). ClinVar contains an entry for this variant (Variation ID: 495120). This variant is present in population databases (rs371575563, ExAC 0.001%). This sequence change creates a premature translational stop signal (p.Arg550*) in the NEK1 gene. It is expected to result in an absent or disrupted protein product.

OMIM
Classification: risk factor for AMYOTROPHIC LATERAL SCLEROSIS, SUSCEPTIBILITY TO, 24. Last evaluated: 2018-02-28. Review status: no assertion criteria provided. Collection method: literature only. Allele origin: germline. Not counted in ClinVar's aggregate classification.

Literature cited by the submitters: PubMed 22499340 (cited by Labcorp Genetics (formerly Invitae), Labcorp); PubMed 29068549 (cited by Labcorp Genetics (formerly Invitae), Labcorp); PubMed 27455347 (cited by Labcorp Genetics (formerly Invitae), Labcorp and OMIM).

NM_001199397.3(NEK1):c.1648C>T (p.Arg550Ter)

Gene: NEK1 (NIMA related kinase 1; minus strand). Cytogenetic location: 4q33.
Variant type: single nucleotide variant.
Coding change: c.1648C>T on transcript NM_001199397.3 (MANE Select); coding-DNA position 1648, C replaced by T.
Protein change: p.Arg550Ter; replaces arginine 550 with a stop codon.
Molecular consequence: nonsense. On other transcripts: non-coding transcript variant (1).
Genome position (GRCh38, 1-based): chr4:169,537,826, G>A on the plus strand (C>T on the coding strand, the complement: NEK1 is on the minus strand). VCF-style: chr4-169537826-G-A. GRCh37 (hg19) VCF-style: chr4-170458977-G-A.
Other names: c.1516C>T, p.Arg506Ter (NM_001199398.3, NM_001199400.3); c.1441C>T, p.Arg481Ter (NM_001199399.3); c.1648C>T, p.Arg550Ter (NM_001374418.1, NM_001374419.1, NM_012224.4); c.1597C>T, p.Arg533Ter (NM_001374420.1); c.1522C>T, p.Arg508Ter (NM_001374421.1); short protein forms R550*, R506*, R481*, R508*, R533*.
Identifiers: ClinVar variation 495120 (VCV000495120.9), dbSNP rs371575563, ClinGen allele CA3137680.